The following is an entry in ClinVar:

NM_004304.5(ALK):c.1522G>T (p.Asp508Tyr)

Gene: ALK (ALK receptor tyrosine kinase; minus strand). Cytogenetic location: 2p23.2.
Variant type: single nucleotide variant.
Coding change: c.1522G>T on transcript NM_004304.5 (MANE Select); coding-DNA position 1522, G replaced by T.
Protein change: p.Asp508Tyr; replaces aspartic acid 508 with tyrosine.
Molecular consequence: missense variant.
Genome position (GRCh38, 1-based): chr2:29,320,775, C>A on the plus strand (G>T on the coding strand, the complement: ALK is on the minus strand). VCF-style: chr2-29320775-C-A. GRCh37 (hg19) VCF-style: chr2-29543641-C-A.
Other names: short protein forms D508Y.
Identifiers: ClinVar variation 2726973 (VCV002726973.3), dbSNP rs1667010854, ClinGen allele CA346472267.
Genomic context (GRCh38, chr2:29,320,775, plus strand): 5'-ATGGGCACCAGAGAGAAGGCAGGAGAGCAGTAGTACCTTGGTGGTCCTGGAACCGGGCAT[C>A]CTTTAGGGTCCTGACCTGCCATTGAGGAGTGTGGGGTGACAGTGTGCCTTGGGTCCAGCC-3'
Protein context (NP_004295.2, residues 498-518): TPQWQVRTLK[Asp508Tyr]ARFQDHQDHA

ClinVar aggregate classification (germline): Uncertain significance (1 of 4 stars; one submission).

Conditions:
Neuroblastoma, susceptibility to, 3. Also called: ALK-Related Neuroblastic Tumor Susceptibility. Identifiers: Orphanet 635, MedGen C2751681, MONDO:0013083, OMIM 613014.

Submission:

Labcorp Genetics (formerly Invitae), Labcorp
Classification: Uncertain significance for Neuroblastoma, susceptibility to, 3. Last evaluated: 2023-06-24. Review status: criteria provided, single submitter. Criteria: Invitae Variant Classification Sherloc (09022015). Collection method: clinical testing. Allele origin: germline.
Comment: In summary, the available evidence is currently insufficient to determine the role of this variant in disease. Therefore, it has been classified as a Variant of Uncertain Significance. An algorithm developed to predict the effect of missense changes on protein structure and function (PolyPhen-2) suggests that this variant is likely to be tolerated. This variant has not been reported in the literature in individuals affected with ALK-related conditions. This variant is not present in population databases (gnomAD no frequency). This sequence change replaces aspartic acid, which is acidic and polar, with tyrosine, which is neutral and polar, at codon 508 of the ALK protein (p.Asp508Tyr).